The following is an entry in ClinVar:

NM_006019.4(TCIRG1):c.166C>T (p.Arg56Trp)

Gene: TCIRG1 (T cell immune regulator 1, ATPase H+ transporting V0 subunit a3; plus strand). Cytogenetic location: 11q13.2.
Variant type: single nucleotide variant.
Coding change: c.166C>T on transcript NM_006019.4 (MANE Select); coding-DNA position 166, C replaced by T.
Protein change: p.Arg56Trp; replaces arginine 56 with tryptophan.
Molecular consequence: missense variant. On other transcripts: 5 prime UTR variant (1).
Genome position (GRCh38, 1-based): chr11:68,041,801, C>T. VCF-style: chr11-68041801-C-T. GRCh37 (hg19) VCF-style: chr11-67809268-C-T.
Other names: NM_006019.3(TCIRG1):c.166C>T(p.Arg56Trp); c.-1084C>T (NM_001351059.2); short protein forms R56W.
Identifiers: ClinVar variation 305782 (VCV000305782.26), dbSNP rs36027301, ClinGen allele CA6146675.

ClinVar aggregate classification (germline): Benign/Likely benign. Review status: criteria provided, multiple submitters, no conflicts (2 of 4 stars). 10 submissions from 10 submitters: Benign (8); Likely benign (1). 1 of the submissions does not count toward it. Last evaluated 2026-02-04.

Conditions:
Disorder of bone. Also called: Bone disorder; Bone disease; Rare bone disease related to a common gene or pathway defect. Identifiers: Orphanet 364803, MedGen C0005940, MONDO:0005381.
Autosomal recessive osteopetrosis 1. Also called: ALBERS-SCHONBERG DISEASE, AUTOSOMAL RECESSIVE; TCIRG1-Related Osteopetrosis; TCIRG1-Related Autosomal Recessive Osteopetrosis. Identifiers: Orphanet 667, MedGen C1850127, MONDO:0009815, OMIM 259700.

Allele frequency attached by ClinVar (database versions not stated): 1000 Genomes Project 30x 0.01671; 1000 Genomes Project 0.01697; TOPMed 0.03902; gnomAD 0.04103 and 0.04199; ESP Exome Variant Server 0.04551; gnomAD exomes 0.04616 and 0.05387.
gnomAD v4.1: 84,785 of 1,609,634 alleles (5.3%); highest among the groups gnomAD compares: Middle Eastern, 6.5%; 2,573 homozygotes.

Submissions (10):

Labcorp Genetics (formerly Invitae), Labcorp
Classification: Benign. Last evaluated: 2026-02-04. Review status: criteria provided, single submitter. Criteria: Invitae Variant Classification Sherloc (09022015). Collection method: clinical testing. Allele origin: germline.

Mayo Clinic Laboratories, Mayo Clinic
Classification: Likely benign. Last evaluated: 2025-09-16. Review status: criteria provided, single submitter. Criteria: ACMG Guidelines, 2015. Collection method: clinical testing. Allele origin: germline. Observed: 12 variant alleles.
Comment: BA1, BP4_moderate

Center for Genomic Medicine, Rigshospitalet, Copenhagen University Hospital
Classification: Benign. Last evaluated: 2025-03-04. Review status: criteria provided, single submitter. Criteria: ACMG Guidelines, 2015. Collection method: clinical testing. Allele origin: germline.

Genome-Nilou Lab
Classification: Benign for Autosomal recessive osteopetrosis 1. Last evaluated: 2021-07-15. Review status: criteria provided, single submitter. Criteria: ACMG Guidelines, 2015. Collection method: clinical testing. Allele origin: germline. Affected: no.

Genome Diagnostics Laboratory, The Hospital for Sick Children
Classification: Benign for Disorder of bone. Last evaluated: 2020-01-17. Review status: criteria provided, single submitter. Criteria: ACMG Guidelines, 2015. Collection method: clinical testing. Allele origin: germline. Affected: yes.
Comment: This missense variant is classified as Benign (ACMG criteria - BA1)

SIB Swiss Institute of Bioinformatics
Classification: Benign. Last evaluated: 2018-05-31. Review status: criteria provided, single submitter. Criteria: ACMG Guidelines, 2015. Collection method: curation. Allele origin: unknown.
Comment: This variant is interpreted as a Benign - Stand Alone. The following ACMG Tag(s) were applied: BA1 => Allele frequency is >5% in Exome Sequencing Project, 1000 Genomes Project, or Exome Aggregation Consortium.

Illumina Laboratory Services, Illumina
Classification: Benign for Autosomal recessive osteopetrosis 1. Last evaluated: 2018-01-13. Review status: criteria provided, single submitter. Criteria: ICSL Variant Classification Criteria 13 December 2019. Collection method: clinical testing. Allele origin: germline.
Comment: This variant was observed in the ICSL laboratory as part of a predisposition screen in an ostensibly healthy population. It had not been previously curated by ICSL or reported in the Human Gene Mutation Database (HGMD: prior to June 1st, 2018), and was therefore a candidate for classification through an automated scoring system. Utilizing variant allele frequency, disease prevalence and penetrance estimates, and inheritance mode, an automated score was calculated to assess if this variant is too frequent to cause the disease. Based on the score and internal cut-off values, a variant classified as benign is not then subjected to further curation. The score for this variant resulted in a classification of benign for this disease.

Laboratory for Molecular Medicine, Mass General Brigham Personalized Medicine
Classification: Benign. Last evaluated: 2016-03-29. Review status: criteria provided, single submitter. Criteria: LMM Criteria. Collection method: clinical testing. Allele origin: germline.
Comment: Variant identified in a genome or exome case(s) and assessed due to predicted null impact of the variant or pathogenic assertions in the literature or databases. Disclaimer: This variant has not undergone full assessment. The following are preliminary notes: Frequency

Breakthrough Genomics
Classification: Benign. Review status: criteria provided, single submitter. Criteria: ACMG Guidelines, 2015. Collection method: not provided. Allele origin: germline. Inheritance: Autosomal recessive inheritance. Affected: yes.

Natera, Inc.
Classification: Benign for Infantile malignant osteopetrosis. Last evaluated: 2020-09-16. Review status: no assertion criteria provided. Collection method: clinical testing. Allele origin: germline. Not counted in ClinVar's aggregate classification.